The following is an entry in ClinVar:

ClinVar aggregate classification (germline): Pathogenic. Review status: criteria provided, multiple submitters, no conflicts (2 of 4 stars). 2 submissions from 2 submitters: Pathogenic (2). Last evaluated 2026-09-08.

Conditions:
Fabry disease. Also called: Fabry's disease; ALPHA-GALACTOSIDASE A DEFICIENCY; ANDERSON-FABRY DISEASE; CERAMIDE TRIHEXOSIDASE DEFICIENCY; GLA DEFICIENCY; HEREDITARY DYSTOPIC LIPIDOSIS. Identifiers: Orphanet 324, MedGen C0002986, MONDO:0010526, OMIM 301500, HP:0001071. Disease mechanism: Fabry disease is due to inactivating mutations in the X-linked GLA gene resulting in deficiency of the enzyme Alpha Galactosidase-A., loss of function.

Submissions (2):

Genomenon, Inc
Classification: Pathogenic for Fabry disease. Last evaluated: 2026-09-08. Review status: criteria provided, single submitter. Criteria: Genomenon Sequence Variant Interpretation Standards - Updated. Collection method: curation. Allele origin: germline. Affected: yes.
Comment: GLA p.Gln280Ter (c.838C>T) is a nonsense variant that introduces a premature stop codon at amino acid position 280 and is predicted to result in a truncated or absent protein product. This variant has been observed in at least one proband with clinical features consistent with Fabry disease (PMID:39980015). It is absent or not present at a significant frequency in gnomAD. In conclusion, we classify GLA p.Gln280Ter (c.838C>T) as a pathogenic variant.

Labcorp Genetics (formerly Invitae), Labcorp
Classification: Pathogenic for Fabry disease. Last evaluated: 2025-08-01. Review status: criteria provided, single submitter. Criteria: Invitae Variant Classification Sherloc (09022015). Collection method: clinical testing. Allele origin: germline.
Comment: This sequence change creates a premature translational stop signal (p.Gln280*) in the GLA gene. It is expected to result in an absent or disrupted protein product. Loss-of-function variants in GLA are known to be pathogenic (PMID: 10666480, 12175777). This variant is not present in population databases (gnomAD no frequency). This premature translational stop signal has been observed in individual(s) with Fabry disease (PMID: 23935525). For these reasons, this variant has been classified as Pathogenic.

Literature cited by the submitters: PubMed 39980015 (cited by Genomenon, Inc); PubMed 10666480 (cited by Labcorp Genetics (formerly Invitae), Labcorp); PubMed 12175777 (cited by Labcorp Genetics (formerly Invitae), Labcorp); PubMed 23935525 (cited by Labcorp Genetics (formerly Invitae), Labcorp).

NM_000169.3(GLA):c.838C>T (p.Gln280Ter)

Genes: GLA (galactosidase alpha; minus strand), RPL36A-HNRNPH2 (RPL36A-HNRNPH2 readthrough; plus strand). Cytogenetic location: Xq22.1.
Variant type: single nucleotide variant.
Coding change: c.838C>T on transcript NM_000169.3 (MANE Select); coding-DNA position 838, C replaced by T.
Protein change: p.Gln280Ter; replaces glutamine 280 with a stop codon.
Molecular consequence: nonsense. On other transcripts: non-coding transcript variant (3), intron variant (2).
Genome position (GRCh38, 1-based): chrX:101,398,531, G>A on the plus strand (C>T on the coding strand, the complement: GLA is on the minus strand). VCF-style: chrX-101398531-G-A. GRCh37 (hg19) VCF-style: chrX-100653519-G-A.
Other names: c.961C>T, p.Gln321Ter (NM_001406747.1); c.838C>T, p.Gln280Ter (NM_001406748.1); c.300+3074G>A (NM_001199973.2); c.177+6709G>A (NM_001199974.2); short protein forms Q280*, Q321*.
Identifiers: ClinVar variation 4710839 (VCV004710839.2), dbSNP rs869312434.